The following is an entry in ClinVar:

ClinVar aggregate classification (germline): Pathogenic/Likely pathogenic. Review status: criteria provided, multiple submitters, no conflicts (2 of 4 stars). 2 submissions from 2 submitters: Pathogenic (1); Likely pathogenic (1). Last evaluated 2024-10-04.

Conditions:
Achromatopsia 3 (ACHM3). Also called: ACHROMATOPSIA WITH MYOPIA; PINGELAPESE BLINDNESS; TOTAL COLORBLINDNESS WITH MYOPIA; ROD MONOCHROMACY 1; ROD MONOCHROMATISM 1. Identifiers: Orphanet 49382, MedGen C1849792, MONDO:0009875, OMIM 262300.
CNGB3-related disorder. Also called: CNGB3-related condition; CNGB3-related disorders. Identifiers: MedGen CN239340.

Submissions (2):

Dubai Health Genomic Medicine Center, Dubai Health
Classification: Likely pathogenic for Achromatopsia 3. Last evaluated: 2024-10-04. Review status: criteria provided, single submitter. Criteria: ACMG Guidelines, 2015. Collection method: research. Allele origin: germline. Affected: yes.
Comment: PVS1,PM2

Blueprint Genetics
Classification: Pathogenic for CNGB3-related disorders. Last evaluated: 2022-11-16. Review status: criteria provided, single submitter. Criteria: ACMG Guidelines, 2015. Collection method: clinical testing. Allele origin: germline. Affected: yes. Observed: 1 variant allele.

NM_019098.5(CNGB3):c.372_375del (p.Ile124fs)

Gene: CNGB3 (cyclic nucleotide gated channel subunit beta 3; minus strand). Cytogenetic location: 8q21.3.
Variant type: Deletion.
Coding change: c.372_375del on transcript NM_019098.5 (MANE Select); coding-DNA positions 372 to 375, 4 bases deleted (AAAT; older notation c.372_375delAAAT).
Protein change: p.Ile124fs; shifts the reading frame from isoleucine 124.
Molecular consequence: frameshift variant.
Genome position (GRCh38, 1-based): chr8:86,671,062-86,671,065, ATTT deleted on the plus strand (AAAT on the coding strand, the reverse complement: CNGB3 is on the minus strand); deleting any 4 consecutive bases within chr8:86,671,062-86,671,067 gives the same sequence; the c. name uses the placement nearest the transcript's 3' end. VCF-style (leftmost placement, unchanged base first): chr8-86671061-CATTT-C. GRCh37 (hg19) VCF-style: chr8-87683289-CATTT-C.
Other names: short protein forms I124fs.
Identifiers: ClinVar variation 3384126 (VCV003384126.2).
Genomic context (GRCh38, chr8:86,671,061, plus strand): 5'-AGAGGGCTGTTCTTTGACGCATTCTTTTCACCAGGTTGTGTAGCTGGGCATCGGCATACT[CATTT>C]ATAACAGGAGCTGCAGGCGGTTTGTTTTGTGGGCTAAATGAGAAAAAAAATGGCAATAGA-3'